The following is an entry in ClinVar:

NM_001367721.1(CASK):c.15C>A (p.Asp5Glu)

Gene: CASK (calcium/calmodulin dependent serine protein kinase; minus strand). Cytogenetic location: Xp11.4.
Variant type: single nucleotide variant.
Coding change: c.15C>A on transcript NM_001367721.1 (MANE Select); coding-DNA position 15, C replaced by A.
Protein change: p.Asp5Glu; replaces aspartic acid 5 with glutamic acid.
Molecular consequence: missense variant.
Genome position (GRCh38, 1-based): chrX:41,922,974, G>T on the plus strand (C>A on the coding strand, the complement: CASK is on the minus strand). VCF-style: chrX-41922974-G-T. GRCh37 (hg19) VCF-style: chrX-41782227-G-T.
Other names: c.15C>A, p.Asp5Glu (NM_001126054.3, NM_001126055.3, NM_001410745.1 and 1 more transcripts); short protein forms D5E.
Identifiers: ClinVar variation 1395262 (VCV001395262.6), dbSNP rs2148116158, ClinGen allele CA413001963.

ClinVar aggregate classification (germline): Uncertain significance (1 of 4 stars; one submission).

Conditions:
Intellectual disability, CASK-related, X-linked. Identifiers: MedGen CN043158.

gnomAD v4.1: 6 of 1,210,567 alleles (0.0005%); highest among the groups gnomAD compares: Non-Finnish European, 0.00067%; no homozygotes.

Submission:

Labcorp Genetics (formerly Invitae), Labcorp
Classification: Uncertain significance for Intellectual disability, CASK-related, X-linked. Last evaluated: 2021-11-27. Review status: criteria provided, single submitter. Criteria: Invitae Variant Classification Sherloc (09022015). Collection method: clinical testing. Allele origin: germline.
Comment: In summary, the available evidence is currently insufficient to determine the role of this variant in disease. Therefore, it has been classified as a Variant of Uncertain Significance. Algorithms developed to predict the effect of missense changes on protein structure and function are either unavailable or do not agree on the potential impact of this missense change (SIFT: "Deleterious"; PolyPhen-2: "Benign"; Align-GVGD: "Class C0"). This variant has not been reported in the literature in individuals affected with CASK-related conditions. This variant is not present in population databases (gnomAD no frequency). This sequence change replaces aspartic acid, which is acidic and polar, with glutamic acid, which is acidic and polar, at codon 5 of the CASK protein (p.Asp5Glu).